The following is an entry in ClinVar:

ClinVar aggregate classification (germline): Uncertain significance (1 of 4 stars; one submission).

Conditions:
Primary ciliary dyskinesia. Also called: Ciliary dyskinesia. Identifiers: Orphanet 244, MedGen C0008780, MONDO:0016575, HP:0012265.

Allele frequency attached by ClinVar (database versions not stated): gnomAD 0.00005 and 0.00006; TOPMed 0.00005; ESP Exome Variant Server 0.00015; 1000 Genomes Project 30x 0.00016; 1000 Genomes Project 0.00020; gnomAD exomes below 0.00001 and 0.00001; ExAC 0.00002.
gnomAD v4.1: 10 of 1,608,402 alleles (0.00062%); highest among the groups gnomAD compares: African/African-American, 0.013%; no homozygotes.

Submission:

Labcorp Genetics (formerly Invitae), Labcorp
Classification: Uncertain significance for Primary ciliary dyskinesia. Last evaluated: 2024-10-14. Review status: criteria provided, single submitter. Criteria: Invitae Variant Classification Sherloc (09022015). Collection method: clinical testing. Allele origin: germline.
Comment: This sequence change replaces valine, which is neutral and non-polar, with isoleucine, which is neutral and non-polar, at codon 2154 of the DNAH8 protein (p.Val2154Ile). This variant is present in population databases (rs142694922, gnomAD 0.02%). This variant has not been reported in the literature in individuals affected with DNAH8-related conditions. ClinVar contains an entry for this variant (Variation ID: 648337). Experimental studies and prediction algorithms are not available or were not evaluated, and the functional significance of this variant is currently unknown. In summary, the available evidence is currently insufficient to determine the role of this variant in disease. Therefore, it has been classified as a Variant of Uncertain Significance.

NM_001206927.2(DNAH8):c.6460G>A (p.Val2154Ile)

Gene: DNAH8 (dynein axonemal heavy chain 8; plus strand). Cytogenetic location: 6p21.2.
Variant type: single nucleotide variant.
Coding change: c.6460G>A on transcript NM_001206927.2 (MANE Select); coding-DNA position 6460, G replaced by A.
Protein change: p.Val2154Ile; replaces valine 2154 with isoleucine.
Molecular consequence: missense variant.
Genome position (GRCh38, 1-based): chr6:38,864,022, G>A. VCF-style: chr6-38864022-G-A. GRCh37 (hg19) VCF-style: chr6-38831798-G-A.
Other names: c.5809G>A, p.Val1937Ile (NM_001371.4); short protein forms V1937I, V2154I.
Identifiers: ClinVar variation 648337 (VCV000648337.9), dbSNP rs142694922, ClinGen allele CA3789662.